The following is an entry in ClinVar:

NM_144991.3(TSPEAR):c.1708G>A (p.Val570Met)

Genes: TSPEAR (thrombospondin type laminin G domain and EAR repeats; minus strand), TSPEAR-AS1 (TSPEAR antisense RNA 1; plus strand), LOC126653398 (CDK7 strongly-dependent group 2 enhancer GRCh37_chr21:45928270-45929469; plus strand). Cytogenetic location: 21q22.3.
Variant type: single nucleotide variant.
Coding change: c.1708G>A on transcript NM_144991.3 (MANE Select); coding-DNA position 1708, G replaced by A.
Protein change: p.Val570Met; replaces valine 570 with methionine.
Molecular consequence: missense variant.
Genome position (GRCh38, 1-based): chr21:44,509,245, C>T on the plus strand (G>A on the coding strand, the complement: TSPEAR is on the minus strand). VCF-style: chr21-44509245-C-T. GRCh37 (hg19) VCF-style: chr21-45929128-C-T.
Other names: c.1504G>A, p.Val502Met (NM_001272037.2); short protein forms V502M, V570M.
Identifiers: ClinVar variation 1308514 (VCV001308514.5), dbSNP rs372331971, ClinGen allele CA10056413.
Genomic context (GRCh38, chr21:44,509,245, plus strand): 5'-GTGGAGGCGCATACCTGCAGGTGAGAATGTCCTGGAACTTGACAAAGGCCTGCGCGGTCA[C>T]GTTCAGCTCGTAGATGACGGAGTTGATGACATAGGAATCATTCTGGACTTGCATCTCCAC-3'
Protein context (NP_659428.2, residues 560-580): VINSVIYELN[Val570Met]TAQAFVKFQD

ClinVar aggregate classification (germline): Uncertain significance. Review status: criteria provided, multiple submitters, no conflicts (2 of 4 stars). 3 submissions from 3 submitters: Uncertain significance (3). Last evaluated 2025-07-11.

Conditions:
TSPEAR-related disorder. Also called: TSPEAR-related condition.
Inborn genetic diseases. Identifiers: MedGen C0950123, MeSH D030342.

Allele frequency attached by ClinVar (database versions not stated): gnomAD 0.00005; ESP Exome Variant Server 0.00023.
gnomAD v4.1: 256 of 1,614,048 alleles (0.016%); highest among the groups gnomAD compares: Non-Finnish European, 0.021%; no homozygotes.

Submissions (3):

GeneDx
Classification: Uncertain significance. Last evaluated: 2025-07-11. Review status: criteria provided, single submitter. Criteria: GeneDx Variant Classification Process June 2021. Collection method: clinical testing. Allele origin: germline. Affected: yes.
Comment: In silico analysis suggests that this missense variant does not alter protein structure/function; Has not been previously published as pathogenic or benign to our knowledge

PreventionGenetics, part of Exact Sciences
Classification: Uncertain significance for TSPEAR-related condition. Last evaluated: 2025-03-26. Review status: criteria provided, single submitter. Criteria: ACMG Guidelines, 2015. Collection method: clinical testing. Allele origin: germline.
Comment: The TSPEAR c.1708G>A variant is predicted to result in the amino acid substitution p.Val570Met. To our knowledge, this variant has not been reported in the literature. This variant is reported in 0.011% of alleles in individuals of European (Non-Finnish) descent in gnomAD. At this time, the clinical significance of this variant is uncertain due to the absence of conclusive functional and genetic evidence.

Ambry Genetics
Classification: Uncertain significance for Inborn genetic diseases. Last evaluated: 2024-09-07. Review status: criteria provided, single submitter. Criteria: Ambry Variant Classification Scheme 2023. Collection method: clinical testing. Allele origin: germline.